The following is an entry in ClinVar:

ClinVar aggregate classification (germline): Uncertain significance (1 of 4 stars; one submission).

Conditions:
Duchenne muscular dystrophy (DMD). Also called: MUSCULAR DYSTROPHY, PSEUDOHYPERTROPHIC PROGRESSIVE, DUCHENNE TYPE; Duchenne Muscular Dystrophy (DMD). Identifiers: Orphanet 98896, MedGen C0013264, MONDO:0010679, OMIM 310200.

Allele frequency attached by ClinVar (database versions not stated): ExAC 0.00001; gnomAD 0.00001.
gnomAD v4.1: 4 of 1,208,268 alleles (0.00033%); highest among the groups gnomAD compares: African/African-American, 0.007%; no homozygotes.

Submission:

Labcorp Genetics (formerly Invitae), Labcorp
Classification: Uncertain significance for Duchenne muscular dystrophy. Last evaluated: 2024-10-22. Review status: criteria provided, single submitter. Criteria: Invitae Variant Classification Sherloc (09022015). Collection method: clinical testing. Allele origin: germline.
Comment: This sequence change replaces glutamine, which is neutral and polar, with histidine, which is basic and polar, at codon 320 of the DMD protein (p.Gln320His). This variant also falls at the last nucleotide of exon 9, which is part of the consensus splice site for this exon. The frequency data for this variant in the population databases is considered unreliable, as metrics indicate poor data quality at this position in the gnomAD database. This variant has not been reported in the literature in individuals affected with DMD-related conditions. An algorithm developed to predict the effect of missense changes on protein structure and function (PolyPhen-2) suggests that this variant is likely to be disruptive. Variants that disrupt the consensus splice site are a relatively common cause of aberrant splicing (PMID: 17576681, 9536098). Algorithms developed to predict the effect of sequence changes on RNA splicing suggest that this variant may disrupt the consensus splice site. In summary, the available evidence is currently insufficient to determine the role of this variant in disease. Therefore, it has been classified as a Variant of Uncertain Significance.

Literature cited by the submitters: PubMed 17576681; PubMed 9536098.

NM_004006.3(DMD):c.960G>T (p.Gln320His)

Gene: DMD (dystrophin; minus strand). Cytogenetic location: Xp21.1.
Variant type: single nucleotide variant.
Coding change: c.960G>T on transcript NM_004006.3 (MANE Select); coding-DNA position 960, G replaced by T.
Protein change: p.Gln320His; replaces glutamine 320 with histidine.
Molecular consequence: missense variant.
Genome position (GRCh38, 1-based): chrX:32,697,870, C>A on the plus strand (G>T on the coding strand, the complement: DMD is on the minus strand). VCF-style: chrX-32697870-C-A. GRCh37 (hg19) VCF-style: chrX-32715987-C-A.
Other names: c.936G>T, p.Gln312His (NM_000109.4); c.948G>T, p.Gln316His (NM_004009.3); c.591G>T, p.Gln197His (NM_004010.3); short protein forms Q320H, Q312H, Q316H, Q197H.
Identifiers: ClinVar variation 2954944 (VCV002954944.3), dbSNP rs772656026, ClinGen allele CA10380019.